The following is an entry in ClinVar:

NM_000179.3(MSH6):c.352A>G (p.Thr118Ala)

Gene: MSH6 (mutS homolog 6; plus strand). Cytogenetic location: 2p16.3.
Variant type: single nucleotide variant.
Coding change: c.352A>G on transcript NM_000179.3 (MANE Select); coding-DNA position 352, A replaced by G.
Protein change: p.Thr118Ala; replaces threonine 118 with alanine.
Molecular consequence: missense variant. On other transcripts: 5 prime UTR variant (2), intron variant (1).
Genome position (GRCh38, 1-based): chr2:47,791,018, A>G. VCF-style: chr2-47791018-A-G. GRCh37 (hg19) VCF-style: chr2-48018157-A-G.
Other names: c.-385A>G (NM_001281493.2, NM_001406811.1, NM_001406823.1 and 1 more transcripts); c.-551A>G (NM_001281494.2); c.448A>G, p.Thr150Ala (NM_001406795.1, NM_001406802.1); c.352A>G, p.Thr118Ala (NM_001406796.1, NM_001406798.1, NM_001406800.1 and 6 more transcripts); c.55A>G, p.Thr19Ala (NM_001406797.1, NM_001406801.1, NM_001406805.1 and 10 more transcripts); c.274A>G, p.Thr92Ala (NM_001406804.1); c.-577A>G (NM_001406807.1); c.-643A>G (NM_001406814.1); and 2 more; short protein forms T19A, T118A, T150A, T92A, T62A.
Identifiers: ClinVar variation 1732338 (VCV001732338.3), dbSNP rs2104104507, ClinGen allele CA346736993.

ClinVar aggregate classification (germline): Uncertain significance (1 of 4 stars; one submission).

Conditions:
Hereditary cancer-predisposing syndrome. Also called: Neoplastic Syndromes, Hereditary; Tumor predisposition; Hereditary Cancer Syndrome; Hereditary neoplastic syndrome. Identifiers: Orphanet 140162, MedGen C0027672, MeSH D009386, MONDO:0015356.

Allele frequency attached by ClinVar (database versions not stated): gnomAD exomes below 0.00001.
gnomAD v4.1: 1 of 1,614,218 alleles (0.000062%); highest among the groups gnomAD compares: Non-Finnish European, 0.000085%; no homozygotes.

Submission:

Ambry Genetics
Classification: Uncertain significance for Hereditary cancer-predisposing syndrome. Last evaluated: 2025-01-31. Review status: criteria provided, single submitter. Criteria: Ambry Variant Classification Scheme 2023. Collection method: clinical testing. Allele origin: germline.
Comment: The p.T118A variant (also known as c.352A>G), located in coding exon 2 of the MSH6 gene, results from an A to G substitution at nucleotide position 352. The threonine at codon 118 is replaced by alanine, an amino acid with similar properties. This amino acid position is not well conserved in available vertebrate species. In addition, this alteration is predicted to be tolerated by in silico analysis. Based on the available evidence, the clinical significance of this variant remains unclear.